The following is an entry in ClinVar:

ClinVar aggregate classification (germline): Uncertain significance. Review status: criteria provided, multiple submitters, no conflicts (2 of 4 stars). 3 submissions from 3 submitters: Uncertain significance (3). Last evaluated 2022-07-26.

Conditions:
Congenital adrenal hyperplasia due to cytochrome P450 oxidoreductase deficiency. Also called: DISORDERED STEROIDOGENESIS DUE TO POR DEFICIENCY. Identifiers: Orphanet 95699, MedGen C1860042, MONDO:0013310, OMIM 613571.
Inborn genetic diseases. Identifiers: MedGen C0950123, MeSH D030342.

Allele frequency attached by ClinVar (database versions not stated): ExAC 0.00002.
gnomAD v4.1: 14 of 1,587,806 alleles (0.00088%); highest among the groups gnomAD compares: Admixed American, 0.016%; no homozygotes.

Submissions (3):

Blueprint Genetics
Classification: Uncertain significance. Last evaluated: 2022-07-26. Review status: criteria provided, single submitter. Criteria: ACMG Guidelines, 2015. Collection method: clinical testing. Allele origin: germline.

Ambry Genetics
Classification: Uncertain significance for Inborn genetic diseases. Last evaluated: 2022-04-25. Review status: criteria provided, single submitter. Criteria: Ambry Variant Classification Scheme 2023. Collection method: clinical testing. Allele origin: germline.

Labcorp Genetics (formerly Invitae), Labcorp
Classification: Uncertain significance for Congenital adrenal hyperplasia due to cytochrome P450 oxidoreductase deficiency. Last evaluated: 2022-01-03. Review status: criteria provided, single submitter. Criteria: Invitae Variant Classification Sherloc (09022015). Collection method: clinical testing. Allele origin: germline.
Comment: This sequence change replaces arginine, which is basic and polar, with proline, which is neutral and non-polar, at codon 517 of the POR protein (p.Arg517Pro). This variant is present in population databases (rs781813178, gnomAD 0.03%). This variant has not been reported in the literature in individuals affected with POR-related conditions. Algorithms developed to predict the effect of missense changes on protein structure and function are either unavailable or do not agree on the potential impact of this missense change (SIFT: "Deleterious"; PolyPhen-2: "Probably Damaging"; Align-GVGD: "Class C0"). In summary, the available evidence is currently insufficient to determine the role of this variant in disease. Therefore, it has been classified as a Variant of Uncertain Significance.

NM_001395413.1(POR):c.1541G>C (p.Arg514Pro)

Gene: POR (cytochrome p450 oxidoreductase; plus strand). Cytogenetic location: 7q11.23.
Variant type: single nucleotide variant.
Coding change: c.1541G>C on transcript NM_001395413.1 (MANE Select); coding-DNA position 1541, G replaced by C.
Protein change: p.Arg514Pro; replaces arginine 514 with proline.
Molecular consequence: missense variant.
Genome position (GRCh38, 1-based): chr7:75,985,730, G>C. VCF-style: chr7-75985730-G-C. GRCh37 (hg19) VCF-style: chr7-75615048-G-C.
Other names: c.1550G>C, p.Arg517Pro (NM_000941.2, NM_000941.3); c.1541G>C, p.Arg514Pro (NM_001367562.3, NM_001382657.2, NM_001382658.3 and 1 more transcripts); c.1595G>C, p.Arg532Pro (NM_001382655.3); c.1391G>C, p.Arg464Pro (NM_001382662.3); short protein forms R464P, R514P, R517P, R532P.
Identifiers: ClinVar variation 2077964 (VCV002077964.3), dbSNP rs781813178, ClinGen allele CA4304185.